The following is an entry in ClinVar:

ClinVar aggregate classification (germline): Conflicting classifications of pathogenicity. Review status: criteria provided, conflicting classifications (1 of 4 stars). 5 submissions from 5 submitters: Uncertain significance (2); Likely benign (3). Last evaluated 2023-03-23.

Conditions:
Hereditary breast ovarian cancer syndrome. Also called: Hereditary breast and ovarian cancer; Hereditary breast and ovarian cancer syndrome (HBOC); Hereditary breast and/or ovarian cancer syndrome; Breast and ovarian cancer; Hereditary breast and ovarian cancer syndrome; BRCA1- and BRCA2-Associated Hereditary Breast and Ovarian Cancer. Identifiers: Orphanet 145, MedGen C0677776, MeSH D061325, MONDO:0003582. Disease mechanism: loss of function.
Hereditary cancer-predisposing syndrome. Also called: Tumor predisposition; Neoplastic Syndromes, Hereditary; Hereditary neoplastic syndrome; Hereditary Cancer Syndrome. Identifiers: Orphanet 140162, MedGen C0027672, MeSH D009386, MONDO:0015356.

Submissions (5):

University of Washington Department of Laboratory Medicine, University of Washington
Classification: Likely benign for Hereditary cancer-predisposing syndrome. Last evaluated: 2023-03-23. Review status: criteria provided, single submitter. Criteria: Dines et al. (Genet Med. 2020). Collection method: curation. Allele origin: germline.
Comment: Missense variant in a coldspot region where missense variants are very unlikely to be pathogenic (PMID:31911673).

BRCA2 exon 11 coldspot. Reclassification based on statistical prior probability.

Labcorp Genetics (formerly Invitae), Labcorp
Classification: Uncertain significance for Hereditary breast ovarian cancer syndrome. Last evaluated: 2022-01-08. Review status: criteria provided, single submitter. Criteria: Invitae Variant Classification Sherloc (09022015). Collection method: clinical testing. Allele origin: germline.
Comment: This sequence change replaces tyrosine, which is neutral and polar, with histidine, which is basic and polar, at codon 1757 of the BRCA2 protein (p.Tyr1757His). This variant is not present in population databases (gnomAD no frequency). This variant has not been reported in the literature in individuals affected with BRCA2-related conditions. ClinVar contains an entry for this variant (Variation ID: 919332). Advanced modeling of protein sequence and biophysical properties (such as structural, functional, and spatial information, amino acid conservation, physicochemical variation, residue mobility, and thermodynamic stability) performed at Invitae indicates that this missense variant is not expected to disrupt BRCA2 protein function. In summary, the available evidence is currently insufficient to determine the role of this variant in disease. Therefore, it has been classified as a Variant of Uncertain Significance.

Blueprint Genetics
Classification: Likely benign. Last evaluated: 2021-08-31. Review status: criteria provided, single submitter. Criteria: ACMG Guidelines, 2015. Collection method: clinical testing. Allele origin: germline.

Ambry Genetics
Classification: Likely benign for Hereditary cancer-predisposing syndrome. Last evaluated: 2020-01-16. Review status: criteria provided, single submitter. Criteria: Ambry Variant Classification Scheme 2023. Collection method: clinical testing. Allele origin: germline.

Color Diagnostics, LLC DBA Color Health
Classification: Uncertain significance for Hereditary cancer-predisposing syndrome. Last evaluated: 2019-01-31. Review status: criteria provided, single submitter. Criteria: ACMG Guidelines, 2015. Collection method: clinical testing. Allele origin: germline.

NM_000059.4(BRCA2):c.5269T>C (p.Tyr1757His)

Gene: BRCA2 (BRCA2 DNA repair associated; plus strand). Cytogenetic location: 13q13.1.
Variant type: single nucleotide variant.
Coding change: c.5269T>C on transcript NM_000059.4 (MANE Select); coding-DNA position 5269, T replaced by C.
Protein change: p.Tyr1757His; replaces tyrosine 1757 with histidine.
Molecular consequence: missense variant.
Genome position (GRCh38, 1-based): chr13:32,339,624, T>C. VCF-style: chr13-32339624-T-C. GRCh37 (hg19) VCF-style: chr13-32913761-T-C.
Other names: short protein forms Y1757H.
Identifiers: ClinVar variation 919332 (VCV000919332.18), dbSNP rs2072525454, ClinGen allele CA387784740.